The following is an entry in ClinVar:

NM_206933.4(USH2A):c.9920G>T (p.Cys3307Phe)

Gene: USH2A (usherin; minus strand). Cytogenetic location: 1q41.
Variant type: single nucleotide variant.
Coding change: c.9920G>T on transcript NM_206933.4 (MANE Select); coding-DNA position 9920, G replaced by T.
Protein change: p.Cys3307Phe; replaces cysteine 3307 with phenylalanine.
Molecular consequence: missense variant.
Genome position (GRCh38, 1-based): chr1:215,798,945, C>A on the plus strand (G>T on the coding strand, the complement: USH2A is on the minus strand). VCF-style: chr1-215798945-C-A. GRCh37 (hg19) VCF-style: chr1-215972287-C-A.
Other names: short protein forms C3307F.
Identifiers: ClinVar variation 1024654 (VCV001024654.9), dbSNP rs983763783, ClinGen allele CA344848411.

ClinVar aggregate classification (germline): Uncertain significance (1 of 4 stars; one submission).

Submission:

Labcorp Genetics (formerly Invitae), Labcorp
Classification: Uncertain significance. Last evaluated: 2020-01-23. Review status: criteria provided, single submitter. Criteria: Invitae Variant Classification Sherloc (09022015). Collection method: clinical testing. Allele origin: germline.
Comment: In summary, the available evidence is currently insufficient to determine the role of this variant in disease. Therefore, it has been classified as a Variant of Uncertain Significance. This variant disrupts the p.Cys3307 amino acid residue in USH2A. Other variant(s) that disrupt this residue have been observed in individuals with USH2A-related conditions (PMID: 28559085, 26667666), which suggests that this may be a clinically significant amino acid residue. Algorithms developed to predict the effect of missense changes on protein structure and function are either unavailable or do not agree on the potential impact of this missense change (SIFT: "Deleterious"; PolyPhen-2: "Probably Damaging"; Align-GVGD: "Class C0"). This variant has not been reported in the literature in individuals with USH2A-related conditions. This variant is not present in population databases (ExAC no frequency). This sequence change replaces cysteine with phenylalanine at codon 3307 of the USH2A protein (p.Cys3307Phe). The cysteine residue is highly conserved and there is a large physicochemical difference between cysteine and phenylalanine.

Literature cited by the submitters: PubMed 28559085; PubMed 26667666.